The following is an entry in ClinVar:

ClinVar aggregate classification (germline): Conflicting classifications of pathogenicity. Review status: criteria provided, conflicting classifications (1 of 4 stars). 2 submissions from 2 submitters: Likely pathogenic (1); Uncertain significance (1). Last evaluated 2026-10-06.

Allele frequency attached by ClinVar (database versions not stated): TOPMed below 0.00001.

Submissions (2):

GeneDx
Classification: Likely pathogenic. Last evaluated: 2026-10-06. Review status: criteria provided, single submitter. Criteria: GeneDx Variant Classification Process June 2021. Collection method: clinical testing. Allele origin: germline.
Comment: Alters the last nucleotide of the exon and is predicted to destroy the splice donor site and result in aberrant splicing, although in the absence of functional evidence the actual effect of this sequence change is unknown; Not observed at significant frequency in large population cohorts (gnomAD); Has not been previously published as pathogenic or benign to our knowledge

Mayo Clinic Laboratories, Mayo Clinic
Classification: Uncertain significance. Last evaluated: 2025-08-21. Review status: criteria provided, single submitter. Criteria: ACMG Guidelines, 2015. Collection method: clinical testing. Allele origin: germline. Observed: 1 variant allele.
Comment: PP3, PM2_supporting

NM_001369.3(DNAH5):c.3396G>C (p.Lys1132Asn)

Genes: DNAH5 (dynein axonemal heavy chain 5; minus strand), DNAH5-AS1 (DNAH5 antisense RNA 1; plus strand). Cytogenetic location: 5p15.2.
Variant type: single nucleotide variant.
Coding change: c.3396G>C on transcript NM_001369.3 (MANE Select); coding-DNA position 3396, G replaced by C.
Protein change: p.Lys1132Asn; replaces lysine 1132 with asparagine.
Molecular consequence: missense variant.
Genome position (GRCh38, 1-based): chr5:13,876,684, C>G on the plus strand (G>C on the coding strand, the complement: DNAH5 is on the minus strand). VCF-style: chr5-13876684-C-G. GRCh37 (hg19) VCF-style: chr5-13876793-C-G.
Other names: p.Lys1132Asn; short protein forms K1132N.
Identifiers: ClinVar variation 450557 (VCV000450557.4), dbSNP rs1554087241, ClinGen allele CA359189618.